The following is an entry in ClinVar:

NM_014855.3(AP5Z1):c.1208G>A (p.Ser403Asn)

Gene: AP5Z1 (adaptor related protein complex 5 subunit zeta 1; plus strand). Cytogenetic location: 7p22.1.
Variant type: single nucleotide variant.
Coding change: c.1208G>A on transcript NM_014855.3 (MANE Select); coding-DNA position 1208, G replaced by A.
Protein change: p.Ser403Asn; replaces serine 403 with asparagine.
Molecular consequence: missense variant. On other transcripts: non-coding transcript variant (1).
Genome position (GRCh38, 1-based): chr7:4,786,325, G>A. VCF-style: chr7-4786325-G-A. GRCh37 (hg19) VCF-style: chr7-4825956-G-A.
Other names: c.1208G>A (NM_014855.2); c.740G>A, p.Ser247Asn (NM_001364858.1); short protein forms S247N, S403N.
Identifiers: ClinVar variation 2142429 (VCV002142429.5), dbSNP rs1449129666, ClinGen allele CA366661787.

ClinVar aggregate classification (germline): Uncertain significance. Review status: criteria provided, multiple submitters, no conflicts (2 of 4 stars). 2 submissions from 2 submitters: Uncertain significance (2). Last evaluated 2024-06-19.

Conditions:
Hereditary spastic paraplegia 48. Also called: Spastic paraplegia 48; SPASTIC PARAPLEGIA 48, AUTOSOMAL RECESSIVE. Identifiers: Orphanet 306511, MedGen C3150901, MONDO:0013342, OMIM 613647.
Inborn genetic diseases. Identifiers: MedGen C0950123, MeSH D030342.

Allele frequency attached by ClinVar (database versions not stated): TOPMed below 0.00001; gnomAD 0.00002.
gnomAD v4.1: 7 of 1,613,800 alleles (0.00043%); highest among the groups gnomAD compares: Non-Finnish European, 0.00059%; no homozygotes.

Submissions (2):

Ambry Genetics
Classification: Uncertain significance for Inborn genetic diseases. Last evaluated: 2024-06-19. Review status: criteria provided, single submitter. Criteria: Ambry Variant Classification Scheme 2023. Collection method: clinical testing. Allele origin: germline.

Labcorp Genetics (formerly Invitae), Labcorp
Classification: Uncertain significance for Hereditary spastic paraplegia 48. Last evaluated: 2022-07-29. Review status: criteria provided, single submitter. Criteria: Invitae Variant Classification Sherloc (09022015). Collection method: clinical testing. Allele origin: germline.
Comment: In summary, the available evidence is currently insufficient to determine the role of this variant in disease. Therefore, it has been classified as a Variant of Uncertain Significance. Algorithms developed to predict the effect of missense changes on protein structure and function output the following: SIFT: "Tolerated"; PolyPhen-2: "Benign"; Align-GVGD: "Class C0". The asparagine amino acid residue is found in multiple mammalian species, which suggests that this missense change does not adversely affect protein function. This sequence change replaces serine, which is neutral and polar, with asparagine, which is neutral and polar, at codon 403 of the AP5Z1 protein (p.Ser403Asn). This variant is present in population databases (no rsID available, gnomAD 0.01%). This variant has not been reported in the literature in individuals affected with AP5Z1-related conditions.